The following is an entry in ClinVar:

NM_005732.4(RAD50):c.221A>C (p.Gln74Pro)

Gene: RAD50 (RAD50 double strand break repair protein; plus strand). Cytogenetic location: 5q31.1.
Variant type: single nucleotide variant.
Coding change: c.221A>C on transcript NM_005732.4 (MANE Select); coding-DNA position 221, A replaced by C.
Protein change: p.Gln74Pro; replaces glutamine 74 with proline.
Molecular consequence: missense variant.
Genome position (GRCh38, 1-based): chr5:132,575,784, A>C. VCF-style: chr5-132575784-A-C. GRCh37 (hg19) VCF-style: chr5-131911476-A-C.
Other names: c.221A>C (NM_005732.3); short protein forms Q74P.
Identifiers: ClinVar variation 1053169 (VCV001053169.8), dbSNP rs764844493, ClinGen allele CA127234426.
Genomic context (GRCh38, chr5:132,575,784, plus strand): 5'-AACACTGGTGCTTATTAAAGTAACATAAGTTTTTTCTGTGTTTTCCTTCAAAGGTTGCTC[A>C]AGAAACAGATGTGAGAGCCCAGATTCGTCTGCAATTTCGTGATGTCAATGGAGAACTTAT-3'
Protein context (NP_005723.2, residues 64-84): NTFVHDPKVA[Gln74Pro]ETDVRAQIRL

ClinVar aggregate classification (germline): Uncertain significance. Review status: criteria provided, multiple submitters, no conflicts (2 of 4 stars). 2 submissions from 2 submitters: Uncertain significance (2). Last evaluated 2024-08-05.

Conditions:
Hereditary cancer-predisposing syndrome. Also called: Tumor predisposition; Hereditary neoplastic syndrome; Hereditary Cancer Syndrome; Neoplastic Syndromes, Hereditary. Identifiers: Orphanet 140162, MedGen C0027672, MeSH D009386, MONDO:0015356.

Allele frequency attached by ClinVar (database versions not stated): gnomAD exomes below 0.00001.
gnomAD v4.1: 3 of 1,594,676 alleles (0.00019%); highest among the groups gnomAD compares: Non-Finnish European, 0.00026%; no homozygotes.

Submissions (2):

Labcorp Genetics (formerly Invitae), Labcorp
Classification: Uncertain significance for Hereditary cancer-predisposing syndrome. Last evaluated: 2024-08-05. Review status: criteria provided, single submitter. Criteria: Invitae Variant Classification Sherloc (09022015). Collection method: clinical testing. Allele origin: germline.
Comment: This sequence change replaces glutamine, which is neutral and polar, with proline, which is neutral and non-polar, at codon 74 of the RAD50 protein (p.Gln74Pro). This variant is not present in population databases (gnomAD no frequency). This variant has not been reported in the literature in individuals affected with RAD50-related conditions. ClinVar contains an entry for this variant (Variation ID: 1053169). Advanced modeling of protein sequence and biophysical properties (such as structural, functional, and spatial information, amino acid conservation, physicochemical variation, residue mobility, and thermodynamic stability) has been performed at Invitae for this missense variant, however the output from this modeling did not meet the statistical confidence thresholds required to predict the impact of this variant on RAD50 protein function. In summary, the available evidence is currently insufficient to determine the role of this variant in disease. Therefore, it has been classified as a Variant of Uncertain Significance.

Ambry Genetics
Classification: Uncertain significance for Hereditary cancer-predisposing syndrome. Last evaluated: 2023-12-08. Review status: criteria provided, single submitter. Criteria: Ambry Variant Classification Scheme 2023. Collection method: clinical testing. Allele origin: germline.
Comment: The p.Q74P variant (also known as c.221A>C), located in coding exon 3 of the RAD50 gene, results from an A to C substitution at nucleotide position 221. The glutamine at codon 74 is replaced by proline, an amino acid with similar properties. This amino acid position is conserved. In addition, this alteration is predicted to be tolerated by in silico analysis. Since supporting evidence is limited at this time, the clinical significance of this alteration remains unclear.